The following is an entry in ClinVar:

ClinVar aggregate classification (germline): Uncertain significance (1 of 4 stars; one submission).

gnomAD v4.1: 7 of 1,614,026 alleles (0.00043%); highest among the groups gnomAD compares: Non-Finnish European, 0.00059%; no homozygotes.

Submission:

Ambry Genetics
Classification: Uncertain significance. Last evaluated: 2025-11-10. Review status: criteria provided, single submitter. Criteria: Ambry Variant Classification Scheme 2023. Collection method: clinical testing. Allele origin: germline.
Comment: The p.L1119V variant (also known as c.3355T>G), located in coding exon 1 of the TET2 gene, results from a T to G substitution at nucleotide position 3355. The leucine at codon 1119 is replaced by valine, an amino acid with highly similar properties. This amino acid position is conserved. In addition, this alteration is predicted to be tolerated by in silico analysis. Based on the available evidence, the clinical significance of this variant remains unclear.

NM_001127208.3(TET2):c.3355T>G (p.Leu1119Val)

Genes: TET2 (tet methylcytosine dioxygenase 2; plus strand), TET2-AS1 (TET2 antisense RNA 1; minus strand). Cytogenetic location: 4q24.
Variant type: single nucleotide variant.
Coding change: c.3355T>G on transcript NM_001127208.3 (MANE Select); coding-DNA position 3355, T replaced by G.
Protein change: p.Leu1119Val; replaces leucine 1119 with valine.
Molecular consequence: missense variant.
Genome position (GRCh38, 1-based): chr4:105,237,297, T>G. VCF-style: chr4-105237297-T-G. GRCh37 (hg19) VCF-style: chr4-106158454-T-G.
Other names: c.3355T>G, p.Leu1119Val (NM_017628.4); short protein forms L1119V.
Identifiers: ClinVar variation 4594196 (VCV004594196.1).